The following is an entry in ClinVar:

NM_000352.6(ABCC8):c.4429G>C (p.Gly1477Arg)

Gene: ABCC8 (ATP binding cassette subfamily C member 8; minus strand). Cytogenetic location: 11p15.1.
Variant type: single nucleotide variant.
Coding change: c.4429G>C on transcript NM_000352.6 (MANE Select); coding-DNA position 4429, G replaced by C.
Protein change: p.Gly1477Arg; replaces glycine 1477 with arginine.
Molecular consequence: missense variant. On other transcripts: non-coding transcript variant (1).
Genome position (GRCh38, 1-based): chr11:17,394,382, C>G on the plus strand (G>C on the coding strand, the complement: ABCC8 is on the minus strand). VCF-style: chr11-17394382-C-G. GRCh37 (hg19) VCF-style: chr11-17415929-C-G.
Other names: c.4432G>C, p.Gly1478Arg (NM_001287174.3); c.4495G>C, p.Gly1499Arg (NM_001351295.2); c.4429G>C, p.Gly1477Arg (NM_001351296.2); c.4426G>C, p.Gly1476Arg (NM_001351297.2); short protein forms G1476R, G1477R, G1478R, G1499R.
Identifiers: ClinVar variation 2855856 (VCV002855856.3), dbSNP rs1953795381, ClinGen allele CA379783665.
Genomic context (GRCh38, chr11:17,394,382, plus strand): 5'-TCACGAAGGCCCGGGCCAGGCAGAACAGCTGCCTCTGTCCCTGGCTGAAATTCTCCCCGC[C>G]TTCTGTGATGATGGCATCTGAAAACAGCCCGGGGAGATGAAGTAGGACTGAGTTAATCTT-3'
Protein context (NP_000343.2, residues 1467-1487): PGGLDAIITE[Gly1477Arg]GENFSQGQRQ

ClinVar aggregate classification (germline): Likely pathogenic (1 of 4 stars; one submission).

Submission:

Labcorp Genetics (formerly Invitae), Labcorp
Classification: Likely pathogenic. Last evaluated: 2023-04-13. Review status: criteria provided, single submitter. Criteria: Invitae Variant Classification Sherloc (09022015). Collection method: clinical testing. Allele origin: germline.
Comment: Advanced modeling of protein sequence and biophysical properties (such as structural, functional, and spatial information, amino acid conservation, physicochemical variation, residue mobility, and thermodynamic stability) performed at Invitae indicates that this missense variant is expected to disrupt ABCC8 protein function. In summary, the currently available evidence indicates that the variant is pathogenic, but additional data are needed to prove that conclusively. Therefore, this variant has been classified as Likely Pathogenic. This variant disrupts the p.Gly1477 amino acid residue in ABCC8. Other variant(s) that disrupt this residue have been determined to be pathogenic (PMID: 18596924). This suggests that this residue is clinically significant, and that variants that disrupt this residue are likely to be disease-causing. This variant has not been reported in the literature in individuals affected with ABCC8-related conditions. This variant is not present in population databases (gnomAD no frequency). This sequence change replaces glycine, which is neutral and non-polar, with arginine, which is basic and polar, at codon 1477 of the ABCC8 protein (p.Gly1477Arg).

Literature cited by the submitters: PubMed 18596924.